The following is an entry in ClinVar:

ClinVar aggregate classification (germline): Pathogenic. Review status: criteria provided, single submitter (1 of 4 stars). 2 submissions from 2 submitters: Pathogenic (1). 1 of the submissions does not count toward it. Last evaluated 2019-08-08.

Conditions:
Hereditary factor IX deficiency disease (HEMB). Also called: Christmas Disease; Hemophilia B; PLASMA THROMBOPLASTIN COMPONENT DEFICIENCY; F9 DEFICIENCY; FACTOR IX DEFICIENCY. Identifiers: Orphanet 98879, MedGen C0008533, MeSH D002836, MONDO:0010604, OMIM 306900.

Submissions (2):

ARUP Laboratories, Molecular Genetics and Genomics, ARUP Laboratories
Classification: Pathogenic. Last evaluated: 2019-08-08. Review status: criteria provided, single submitter. Criteria: ARUP Molecular Germline Variant Investigation Process. Collection method: clinical testing. Allele origin: germline.
Comment: The F9 c.1070G>A; p.Gly357Glu variant (rs137852275), also known as 31053G>A, p.Gly311Glu or factor IX Amagasaki, is reported in the literature in multiple individuals affected with moderate to severe hemophilia A (Chavali 2009, Giannelli 1994, Hamasaki-Katagiri 2012, see link to FIX database and references therein). This variant is reported in ClinVar (Variation ID: 10647), and is absent from general population databases (Exome Variant Server, Genome Aggregation Database), indicating it is not a common polymorphism. The glycine at codon 357 is highly conserved, and computational analyses (SIFT, PolyPhen-2) predict that this variant is deleterious. Functional assays show a complete loss of coagulant and esterase activities (Miyata 1991). Additionally, other amino acid substitutions at this codon (c.1069G>A; p.Gly357Arg, c.1070G>T; p.Gly357Val) have been reported in individuals with hemophilia B and are considered pathogenic (Chavali 2009, Giannelli 1994, Hamasaki-Katagiri 2012, FIX database and references therein). Based on available information, this variant is considered to be pathogenic. References: Link to FIX database: Chavali S et al. Hemophilia B is a quasi-quantitative condition with certain mutations showing phenotypic plasticity. Genomics. 2009 Dec;94(6):433-7. Giannelli F et al. Haemophilia B: database of point mutations and short additions and deletions, fifth edition, 1994. Nucleic Acids Res. 1994 Sep;22(17):3534-46. Hamasaki-Katagiri N et al. Analysis of F9 point mutations and their correlation to severity of haemophilia B disease. Haemophilia. 2012 Nov;18(6):933-40. Miyata T et al. Factor IX Amagasaki: a new mutation in the catalytic domain resulting in the loss of both coagulant and esterase activities. Biochemistry. 1991 Nov 26;30(47):11286-91.

OMIM
Classification: Pathogenic for HEMOPHILIA B. Last evaluated: 1991-11-26. Review status: no assertion criteria provided. Collection method: literature only. Allele origin: germline. Not counted in ClinVar's aggregate classification.

Literature cited by the submitters: PubMed 1958666 (cited by OMIM).

NM_000133.4(F9):c.1070G>A (p.Gly357Glu)

Gene: F9 (coagulation factor IX; plus strand). Cytogenetic location: Xq27.1.
Variant type: single nucleotide variant.
Coding change: c.1070G>A on transcript NM_000133.4 (MANE Select); coding-DNA position 1070, G replaced by A.
Protein change: p.Gly357Glu; replaces glycine 357 with glutamic acid.
Molecular consequence: missense variant.
Genome position (GRCh38, 1-based): chrX:139,561,755, G>A. VCF-style: chrX-139561755-G-A. GRCh37 (hg19) VCF-style: chrX-138643914-G-A.
Other names: F9, GLY311GLU; G311E; c.956G>A, p.Gly319Glu (NM_001313913.2); short protein forms G357E, G319E.
Identifiers: ClinVar variation 10647 (VCV000010647.9), dbSNP rs137852275, ClinGen allele CA255437.